The following is an entry in ClinVar:

NM_004174.4(SLC9A3):c.818C>T (p.Ser273Leu)

Gene: SLC9A3 (solute carrier family 9 member A3). Cytogenetic location: 5p15.33.
Variant type: single nucleotide variant.
Coding change: c.818C>T on transcript NM_004174.4 (MANE Select); coding-DNA position 818, C replaced by T.
Protein change: p.Ser273Leu; replaces serine 273 with leucine.
Molecular consequence: missense variant.
Genome position (GRCh38, 1-based): chr5:484,634, G>A on the plus strand (C>T on the coding strand, the complement: SLC9A3 is on the minus strand). VCF-style: chr5-484634-G-A. GRCh37 (hg19) VCF-style: chr5-484749-G-A.
Other names: c.818C>T, p.Ser273Leu (NM_001284351.3); c.818C>T (NM_004174.2); short protein forms S273L.
Identifiers: ClinVar variation 2628756 (VCV002628756.3), dbSNP rs1222612723, ClinGen allele CA359028612.

ClinVar aggregate classification (germline): Conflicting classifications of pathogenicity. Review status: criteria provided, conflicting classifications (1 of 4 stars). 3 submissions from 3 submitters: Likely pathogenic (1); Uncertain significance (2). Last evaluated 2024-07-05.

Conditions:
SLC9A3-related disorder. Also called: SLC9A3-related condition.
Congenital secretory sodium diarrhea 8. Identifiers: Orphanet 103908, MedGen C5441928, MONDO:0014808, OMIM 616868.
Inborn genetic diseases. Identifiers: MedGen C0950123, MeSH D030342.

Allele frequency attached by ClinVar (database versions not stated): gnomAD exomes 0.00001; TOPMed 0.00001; gnomAD 0.00002.

Submissions (3):

Aleixo Muise Laboratory, Hospital For Sick Children
Classification: Likely pathogenic for Congenital secretory sodium diarrhea 8. Last evaluated: 2024-07-05. Review status: criteria provided, single submitter. Criteria: ACMG Guidelines, 2015. Collection method: research. Allele origin: inherited. Affected: yes. Observed: 2 variant alleles.
Comment: PM2;PM3;PP1;PP3;PP4

Ambry Genetics
Classification: Uncertain significance for Inborn genetic diseases. Last evaluated: 2024-03-12. Review status: criteria provided, single submitter. Criteria: Ambry Variant Classification Scheme 2023. Collection method: clinical testing. Allele origin: germline.

PreventionGenetics, part of Exact Sciences
Classification: Uncertain significance for SLC9A3-related condition. Last evaluated: 2022-10-07. Review status: criteria provided, single submitter. Criteria: ACMG Guidelines, 2015. Collection method: clinical testing. Allele origin: germline.
Comment: The SLC9A3 c.818C>T variant is predicted to result in the amino acid substitution p.Ser273Leu. To our knowledge, this variant has not been reported in the literature. This variant is reported in 0.0050% of alleles in individuals of East Asian descent in gnomAD. At this time, the clinical significance of this variant is uncertain due to the absence of conclusive functional and genetic evidence.